The following is an entry in ClinVar:

ClinVar aggregate classification (germline): Likely pathogenic (1 of 4 stars; one submission).

Conditions:
Charlevoix-Saguenay spastic ataxia (SACS). Also called: SPASTIC ATAXIA 6, AUTOSOMAL RECESSIVE; AUTOSOMAL RECESSIVE SPASTIC ATAXIA OF CHARLEVOIX-SAGUENAY; Spastic ataxia of Charlevoix-Saguenay. Identifiers: Orphanet 98, MedGen C1849140, MONDO:0010041, OMIM 270550.

Submission:

Women's Health and Genetics/Laboratory Corporation of America, LabCorp
Classification: Likely pathogenic for Charlevoix-Saguenay spastic ataxia. Last evaluated: 2022-05-19. Review status: criteria provided, single submitter. Criteria: LabCorp Variant Classification Summary - May 2015. Collection method: clinical testing. Allele origin: germline.
Comment: Variant summary: SACS c.520G>T (p.Glu174X) results in a premature termination codon, predicted to cause a truncation of the encoded protein or absence of the protein due to nonsense mediated decay, which are commonly known mechanisms for disease. Truncations downstream of this position have been classified as pathogenic by our laboratory. The variant was absent in 251446 control chromosomes. c.520G>T has been reported in the literature in a compound heterozygous individual affected with Autosomal Recessive Spastic Ataxia Of Charlevoix-Saguenay (Fogel_2012). To our knowledge, no experimental evidence demonstrating an impact on protein function has been reported. No clinical diagnostic laboratories have submitted clinical-significance assessments for this variant to ClinVar after 2014. Based on the evidence outlined above, the variant was classified as likely pathogenic.

Literature cited by the submitters: PubMed 22287014.

NM_014363.6(SACS):c.520G>T (p.Glu174Ter)

Gene: SACS (sacsin molecular chaperone; minus strand). Cytogenetic location: 13q12.12.
Variant type: single nucleotide variant.
Coding change: c.520G>T on transcript NM_014363.6 (MANE Select); coding-DNA position 520, G replaced by T.
Protein change: p.Glu174Ter; replaces glutamic acid 174 with a stop codon.
Molecular consequence: nonsense.
Genome position (GRCh38, 1-based): chr13:23,358,419, C>A on the plus strand (G>T on the coding strand, the complement: SACS is on the minus strand). VCF-style: chr13-23358419-C-A. GRCh37 (hg19) VCF-style: chr13-23932558-C-A.
Other names: c.79G>T, p.Glu27Ter (NM_001278055.2); short protein forms E174*, E27*.
Identifiers: ClinVar variation 1696315 (VCV001696315.1), dbSNP rs2137742889, ClinGen allele CA387552054.